The following is an entry in ClinVar:

ClinVar aggregate classification (germline): Uncertain significance. Review status: criteria provided, multiple submitters, no conflicts (2 of 4 stars). 2 submissions from 2 submitters: Uncertain significance (2). Last evaluated 2025-07-15.

Conditions:
Fucosidosis. Also called: ALPHA-L-FUCOSIDASE DEFICIENCY. Identifiers: Orphanet 349, MedGen C0016788, MONDO:0009254, OMIM 230000.

gnomAD v4.1: 4 of 1,614,196 alleles (0.00025%); highest among the groups gnomAD compares: Non-Finnish European, 0.00034%; no homozygotes.

Submissions (2):

Women's Health and Genetics/Laboratory Corporation of America, LabCorp
Classification: Uncertain significance. Last evaluated: 2025-07-15. Review status: criteria provided, single submitter. Criteria: LabCorp Variant Classification Summary - May 2015. Collection method: clinical testing. Allele origin: germline.
Comment: Variant summary: FUCA1 c.404C>G (p.Thr135Arg) results in a non-conservative amino acid change in the encoded protein sequence. Algorithms developed to predict the effect of missense changes on protein structure and function all suggest that this variant is likely to be disruptive. The variant allele was found at a frequency of 4e-06 in 251480 control chromosomes. The available data on variant occurrences in the general population are insufficient to allow any conclusion about variant significance. To our knowledge, no occurrence of c.404C>G in individuals affected with Fucosidosis and no experimental evidence demonstrating its impact on protein function have been reported. ClinVar contains an entry for this variant (Variation ID: 1381632). Based on the evidence outlined above, the variant was classified as uncertain significance.

Labcorp Genetics (formerly Invitae), Labcorp
Classification: Uncertain significance for Fucosidosis. Last evaluated: 2023-10-13. Review status: criteria provided, single submitter. Criteria: Invitae Variant Classification Sherloc (09022015). Collection method: clinical testing. Allele origin: germline.
Comment: This sequence change replaces threonine, which is neutral and polar, with arginine, which is basic and polar, at codon 135 of the FUCA1 protein (p.Thr135Arg). This variant is present in population databases (no rsID available, gnomAD 0.0009%). This variant has not been reported in the literature in individuals affected with FUCA1-related conditions. ClinVar contains an entry for this variant (Variation ID: 1381632). Advanced modeling of protein sequence and biophysical properties (such as structural, functional, and spatial information, amino acid conservation, physicochemical variation, residue mobility, and thermodynamic stability) performed at Invitae indicates that this missense variant is expected to disrupt FUCA1 protein function. In summary, the available evidence is currently insufficient to determine the role of this variant in disease. Therefore, it has been classified as a Variant of Uncertain Significance.

NM_000147.5(FUCA1):c.404C>G (p.Thr135Arg)

Genes: FUCA1 (alpha-L-fucosidase 1; minus strand), LOC126805661 (BRD4-independent group 4 enhancer GRCh37_chr1:24191742-24192941; plus strand). Cytogenetic location: 1p36.11.
Variant type: single nucleotide variant.
Coding change: c.404C>G on transcript NM_000147.5 (MANE Select); coding-DNA position 404, C replaced by G.
Protein change: p.Thr135Arg; replaces threonine 135 with arginine.
Molecular consequence: missense variant.
Genome position (GRCh38, 1-based): chr1:23,865,611, G>C on the plus strand (C>G on the coding strand, the complement: FUCA1 is on the minus strand). VCF-style: chr1-23865611-G-C. GRCh37 (hg19) VCF-style: chr1-24192101-G-C.
Other names: short protein forms T135R.
Identifiers: ClinVar variation 1381632 (VCV001381632.9), dbSNP rs779017131, ClinGen allele CA339007752.